The following is an entry in ClinVar:

NM_000091.5(COL4A3):c.3196C>T (p.Pro1066Ser)

Genes: MFF-DT (MFF divergent transcript; minus strand), COL4A3 (collagen type IV alpha 3 chain; plus strand). Cytogenetic location: 2q36.3.
Variant type: single nucleotide variant.
Coding change: c.3196C>T on transcript NM_000091.5 (MANE Select); coding-DNA position 3196, C replaced by T.
Protein change: p.Pro1066Ser; replaces proline 1066 with serine.
Molecular consequence: missense variant.
Genome position (GRCh38, 1-based): chr2:227,290,872, C>T. VCF-style: chr2-227290872-C-T. GRCh37 (hg19) VCF-style: chr2-228155588-C-T.
Other names: short protein forms P1066S.
Identifiers: ClinVar variation 334770 (VCV000334770.17), dbSNP rs377003650, ClinGen allele CA2147129.

ClinVar aggregate classification (germline): Conflicting classifications of pathogenicity. Review status: criteria provided, conflicting classifications (1 of 4 stars). 7 submissions from 7 submitters: Uncertain significance (5); Benign (1); Likely benign (1). Last evaluated 2026-01-11.

Conditions:
Hematuria, benign familial, 2 (BFH2). Identifiers: MedGen C5830421, MONDO:0958186, OMIM 620320.
Alport syndrome 3b, autosomal recessive. Identifiers: MedGen C5882699, MONDO:0957811, OMIM 620536.
Autosomal dominant Alport syndrome (ATS3A). Also called: ALPORT SYNDROME 3A, AUTOSOMAL DOMINANT; Alport syndrome dominant type; Renal failure and sensorineural hearing loss. Identifiers: Orphanet 63, Orphanet 88918, MedGen C5882663, MONDO:0007086, OMIM 104200.
Alport syndrome. Also called: Hemorrhagic familial nephritis; Hemorrhagic hereditary nephritis; Congenital hereditary hematuria. Identifiers: Orphanet 63, MedGen C1567741, MONDO:0018965.
COL4A3-related disorder. Also called: COL4A3-related condition; COL4A3-Related Disorders.

Allele frequency attached by ClinVar (database versions not stated): gnomAD 0.00008 and 0.00009; gnomAD exomes 0.00009 and 0.00017; TOPMed 0.00009; ExAC 0.00017; ESP Exome Variant Server 0.00017.
gnomAD v4.1: 156 of 1,612,466 alleles (0.0097%); highest among the groups gnomAD compares: Non-Finnish European, 0.0038%; no homozygotes.

Submissions (7):

Labcorp Genetics (formerly Invitae), Labcorp
Classification: Benign. Last evaluated: 2026-01-11. Review status: criteria provided, single submitter. Criteria: Invitae Variant Classification Sherloc (09022015). Collection method: clinical testing. Allele origin: germline.

PreventionGenetics, part of Exact Sciences
Classification: Uncertain significance for COL4A3-related condition. Last evaluated: 2025-10-09. Review status: criteria provided, single submitter. Criteria: ACMG Guidelines, 2015. Collection method: clinical testing. Allele origin: germline.
Comment: The COL4A3 c.3196C>T variant is predicted to result in the amino acid substitution p.Pro1066Ser. This variant has been reported in the heterozyous state in an individual with glomerular kidney disease; however, a hemizygous pathogenic variant in COL4A5 was also present (Vaisitti et al. 2020. PubMed ID: 33226606). This variant is reported in 0.34% of alleles in individuals of Ashkenazi Jewish descent in gnomAD. At this time, the clinical significance of this variant is uncertain due to the absence of conclusive functional and genetic evidence.

Blueprint Genetics
Classification: Likely benign. Last evaluated: 2024-07-15. Review status: criteria provided, single submitter. Criteria: ACMG Guidelines, 2015. Collection method: clinical testing. Allele origin: germline.

Fulgent Genetics
Classification: Uncertain significance for Autosomal dominant Alport syndrome; Hematuria, benign familial, 2; Alport syndrome 3b, autosomal recessive. Last evaluated: 2024-03-16. Review status: criteria provided, single submitter. Criteria: ACMG Guidelines, 2015. Collection method: clinical testing. Allele origin: germline.

GeneDx
Classification: Uncertain significance. Last evaluated: 2023-10-27. Review status: criteria provided, single submitter. Criteria: GeneDx Variant Classification Process June 2021. Collection method: clinical testing. Allele origin: germline. Affected: yes.
Comment: Occurs in the triple helical domain at the X position in the canonical Gly-X-Y repeat; although this variant may have an effect on normal protein folding and function, missense substitution at the X position is not a common mechanism of disease; In silico analysis supports that this missense variant does not alter protein structure/function; This variant is associated with the following publications: (PMID: 33226606)

Department of Pathology and Laboratory Medicine, Sinai Health System
Classification: Uncertain significance for Alport syndrome. Last evaluated: 2021-09-11. Review status: criteria provided, single submitter. Criteria: ACMG Guidelines, 2015. Collection method: research. Allele origin: germline.

Illumina Laboratory Services, Illumina
Classification: Uncertain significance for Alport syndrome. Last evaluated: 2018-01-13. Review status: criteria provided, single submitter. Criteria: ICSL Variant Classification Criteria 13 December 2019. Collection method: clinical testing. Allele origin: germline.